The following is an entry in ClinVar:

NM_002439.5(MSH3):c.1301A>G (p.Glu434Gly)

Gene: MSH3 (mutS homolog 3; plus strand). Cytogenetic location: 5q14.1.
Variant type: single nucleotide variant.
Coding change: c.1301A>G on transcript NM_002439.5 (MANE Select); coding-DNA position 1301, A replaced by G.
Protein change: p.Glu434Gly; replaces glutamic acid 434 with glycine.
Molecular consequence: missense variant.
Genome position (GRCh38, 1-based): chr5:80,679,054, A>G. VCF-style: chr5-80679054-A-G. GRCh37 (hg19) VCF-style: chr5-79974873-A-G.
Other names: short protein forms E434G.
Identifiers: ClinVar variation 1769414 (VCV001769414.2), dbSNP rs2546726666, ClinGen allele CA360269072.

ClinVar aggregate classification (germline): Uncertain significance (1 of 4 stars; one submission).

Conditions:
Hereditary cancer-predisposing syndrome. Also called: Hereditary Cancer Syndrome; Hereditary neoplastic syndrome; Neoplastic Syndromes, Hereditary; Tumor predisposition. Identifiers: Orphanet 140162, MedGen C0027672, MeSH D009386, MONDO:0015356.

Submission:

Ambry Genetics
Classification: Uncertain significance for Hereditary cancer-predisposing syndrome. Last evaluated: 2022-04-25. Review status: criteria provided, single submitter. Criteria: Ambry Variant Classification Scheme 2023. Collection method: clinical testing. Allele origin: germline.
Comment: The p.E434G variant (also known as c.1301A>G), located in coding exon 8 of the MSH3 gene, results from an A to G substitution at nucleotide position 1301. The glutamic acid at codon 434 is replaced by glycine, an amino acid with similar properties. This amino acid position is conserved. In addition, this alteration is predicted to be tolerated by in silico analysis. Since supporting evidence is limited at this time, the clinical significance of this alteration remains unclear.